The following is an entry in ClinVar:

ClinVar aggregate classification (germline): Conflicting classifications of pathogenicity. Review status: criteria provided, conflicting classifications (1 of 4 stars). 4 submissions from 4 submitters: Uncertain significance (2); Likely benign (1). 1 of the submissions does not count toward it. Last evaluated 2026-01-29.

Conditions:
Inborn genetic diseases. Identifiers: MedGen C0950123, MeSH D030342.
LTBP2-related disorder. Also called: LTBP2-related condition; LTBP2-related disorders.

Allele frequency attached by ClinVar (database versions not stated): gnomAD exomes 0.00035; ExAC 0.00039; gnomAD 0.00123 and 0.00131; ESP Exome Variant Server 0.00154; TOPMed 0.00156; 1000 Genomes Project 30x 0.00172; 1000 Genomes Project 0.00180.
gnomAD v4.1: 349 of 1,614,190 alleles (0.022%); highest among the groups gnomAD compares: African/African-American, 0.38%; no homozygotes.

Submissions (5):

Labcorp Genetics (formerly Invitae), Labcorp
Classification: Likely benign. Last evaluated: 2026-01-29. Review status: criteria provided, single submitter. Criteria: Invitae Variant Classification Sherloc (09022015). Collection method: clinical testing. Allele origin: germline.

Ambry Genetics
Classification: Uncertain significance for Inborn genetic diseases. Last evaluated: 2025-08-08. Review status: criteria provided, single submitter. Criteria: Ambry Variant Classification Scheme 2023. Collection method: clinical testing. Allele origin: germline.

GeneDx
Classification: Uncertain significance. Last evaluated: 2021-08-17. Review status: criteria provided, single submitter. Criteria: GeneDx Variant Classification Process June 2021. Collection method: clinical testing. Allele origin: germline. Affected: yes.
Comment: In silico analysis supports that this missense variant has a deleterious effect on protein structure/function; Has not been previously published as pathogenic or benign to our knowledge

PreventionGenetics, part of Exact Sciences
Classification: Likely benign for LTBP2-related condition. Last evaluated: 2022-05-17. Review status: no assertion criteria provided. Collection method: clinical testing. Allele origin: germline. Not counted in ClinVar's aggregate classification.
Comment: This variant is classified as likely benign based on ACMG/AMP sequence variant interpretation guidelines (Richards et al. 2015 PMID: 25741868, with internal and published modifications).

Dr. Peter K. Rogan Lab, Western University
No classification provided (evidence only). Condition: Ovarian serous cystadenocarcinoma. Review status: no classification provided. Collection method: in vitro. Allele origin: not applicable. Functional consequence: retained intron. Not counted in ClinVar's aggregate classification.

NM_000428.3(LTBP2):c.3863G>T (p.Gly1288Val)

Gene: LTBP2 (latent transforming growth factor beta binding protein 2; minus strand). Cytogenetic location: 14q24.3.
Variant type: single nucleotide variant.
Coding change: c.3863G>T on transcript NM_000428.3 (MANE Select); coding-DNA position 3863, G replaced by T.
Protein change: p.Gly1288Val; replaces glycine 1288 with valine.
Molecular consequence: missense variant.
Genome position (GRCh38, 1-based): chr14:74,507,223, C>A on the plus strand (G>T on the coding strand, the complement: LTBP2 is on the minus strand). VCF-style: chr14-74507223-C-A. GRCh37 (hg19) VCF-style: chr14-74973926-C-A.
Other names: short protein forms G1288V.
Identifiers: ClinVar variation 730331 (VCV000730331.17), dbSNP rs139481866, ClinGen allele CA7269009.
Genomic context (GRCh38, chr14:74,507,223, plus strand): 5'-CTCCCTCCCTACTCACCAATGCAGTCTCCGTTCGGGGCCATGTGGAAGCCAGGCTGGCAG[C>A]CCAGAACACAGCGGTAGGAGCCAGGGCTGTTTTCACACTTCCAGGTGCCACACACCGGGT-3'
Protein context (NP_000419.1, residues 1278-1298): NSPGSYRCVL[Gly1288Val]CQPGFHMAPN